The following is an entry in ClinVar:

NM_014754.3(PTDSS1):c.417C>T (p.Tyr139=)

Gene: PTDSS1 (phosphatidylserine synthase 1; plus strand). Cytogenetic location: 8q22.1.
Variant type: single nucleotide variant.
Coding change: c.417C>T on transcript NM_014754.3 (MANE Select); coding-DNA position 417, C replaced by T.
Protein change: p.Tyr139=; no amino-acid change (tyrosine 139 retained).
Molecular consequence: synonymous variant. On other transcripts: intron variant (1).
Genome position (GRCh38, 1-based): chr8:96,287,122, C>T. VCF-style: chr8-96287122-C-T. GRCh37 (hg19) VCF-style: chr8-97299350-C-T.
Other names: c.4-7976C>T (NM_001290225.2).
Identifiers: ClinVar variation 713161 (VCV000713161.14), dbSNP rs73698560, ClinGen allele CA4816564.
Genomic context (GRCh38, chr8:96,287,122, plus strand): 5'-CTTCCTGAATTTCGAGCAGGTTAAATCTCTAATGTATTGGCTAGATCCAAATCTTCGATA[C>T]GCCACAAGGGAAGCAGATGTCATGGTATGTACTTGTCAGTGGCCTCTTGGAGAAACTCGT-3'
Protein context (NP_055569.1, residues 129-149): LMYWLDPNLR[Tyr139=]ATREADVMEY

ClinVar aggregate classification (germline): Benign/Likely benign. Review status: criteria provided, multiple submitters, no conflicts (2 of 4 stars). 4 submissions from 4 submitters: Benign (2); Likely benign (1). 1 of the submissions does not count toward it. Last evaluated 2026-01-18.

Conditions:
PTDSS1-related disorder. Also called: PTDSS1-related condition.

Allele frequency attached by ClinVar (database versions not stated): gnomAD exomes 0.00060 and 0.00139; ExAC 0.00139; gnomAD 0.00205 and 0.00210; 1000 Genomes Project 0.00220; 1000 Genomes Project 30x 0.00265; TOPMed 0.00282; ESP Exome Variant Server 0.00315.
gnomAD v4.1: 1,244 of 1,614,128 alleles (0.077%); highest among the groups gnomAD compares: Middle Eastern, 0.61%; 4 homozygotes.

Submissions (4):

Labcorp Genetics (formerly Invitae), Labcorp
Classification: Benign. Last evaluated: 2026-01-18. Review status: criteria provided, single submitter. Criteria: Invitae Variant Classification Sherloc (09022015). Collection method: clinical testing. Allele origin: germline.

Blueprint Genetics
Classification: Likely benign. Last evaluated: 2024-10-25. Review status: criteria provided, single submitter. Criteria: ACMG Guidelines, 2015. Collection method: clinical testing. Allele origin: germline.

Breakthrough Genomics
Classification: Benign. Review status: criteria provided, single submitter. Criteria: ACMG Guidelines, 2015. Collection method: not provided. Allele origin: germline. Inheritance: Autosomal dominant inheritance. Affected: yes.

PreventionGenetics, part of Exact Sciences
Classification: Likely benign for PTDSS1-related condition. Last evaluated: 2019-04-17. Review status: no assertion criteria provided. Collection method: clinical testing. Allele origin: germline. Not counted in ClinVar's aggregate classification.
Comment: This variant is classified as likely benign based on ACMG/AMP sequence variant interpretation guidelines (Richards et al. 2015 PMID: 25741868, with internal and published modifications).